The following is an entry in ClinVar:

NM_174916.3(UBR1):c.81+1G>C

Genes: UBR1 (ubiquitin protein ligase E3 component n-recognin 1; minus strand), LOC130056936 (ATAC-STARR-seq lymphoblastoid active region 9309; plus strand). Cytogenetic location: 15q15.2.
Variant type: single nucleotide variant.
Coding change: c.81+1G>C on transcript NM_174916.3 (MANE Select); the canonical splice donor site of the intron after coding-DNA position 81, G replaced by C.
Molecular consequence: splice donor variant.
Genome position (GRCh38, 1-based): chr15:43,105,941, C>G on the plus strand (G>C on the coding strand, the complement: UBR1 is on the minus strand). VCF-style: chr15-43105941-C-G. GRCh37 (hg19) VCF-style: chr15-43398139-C-G.
Identifiers: ClinVar variation 4688527 (VCV004688527.1).

ClinVar aggregate classification (germline): Likely pathogenic (1 of 4 stars; one submission).

Conditions:
Johanson-Blizzard syndrome (JBS). Also called: Nasal alar hypoplasia, hypothyroidism, pancreatic achylia and congenital deafness. Identifiers: Orphanet 2315, MedGen C0175692, MONDO:0009479, OMIM 243800.

Submission:

Women's Health and Genetics/Laboratory Corporation of America, LabCorp
Classification: Likely pathogenic for Johanson-Blizzard syndrome. Last evaluated: 2025-12-30. Review status: criteria provided, single submitter. Criteria: LabCorp Variant Classification Summary - May 2015. Collection method: clinical testing. Allele origin: germline.
Comment: Variant summary: UBR1 c.81+1G>C is located in a canonical splice-site and is predicted to affect mRNA splicing resulting in a significantly altered protein due to either exon skipping, shortening, or inclusion of intronic material. Variants that disrupt the consensus splice site are a relatively common cause of aberrant splicing and loss of UBR1 function. Several computational tools predict a significant impact on normal splicing: Four predict the variant abolishes a 5' splicing donor site. One predicts the variant no significant impact on splicing. One predicts the variant creates a 3' acceptor site. However, these predictions have yet to be confirmed by functional studies. The variant was absent in 250876 control chromosomes. To our knowledge, no occurrence of c.81+1G>C in individuals affected with UBR1-related conditions and no experimental evidence demonstrating its impact on protein function have been reported. No submitters have cited clinical-significance assessments for this variant to ClinVar. Based on the evidence outlined above, the variant was classified as likely pathogenic.